The following is an entry in ClinVar:

ClinVar aggregate classification (germline): Likely benign (1 of 4 stars; one submission).

gnomAD v4.1: 61 of 1,604,998 alleles (0.0038%); highest among the groups gnomAD compares: Admixed American, 0.059%; no homozygotes.

Submission:

CeGaT Center for Human Genetics Tuebingen
Classification: Likely benign. Last evaluated: 2026-07-01. Review status: criteria provided, single submitter. Criteria: CeGaT Center For Human Genetics Tuebingen Variant Classification Criteria Version 2. Collection method: clinical testing. Allele origin: germline. Affected: yes. Observed: 1 variant allele.
Comment: DHX30: BP4, BP7

NM_138615.3(DHX30):c.3504C>T (p.His1168=)

Gene: DHX30 (DExH-box helicase 30; plus strand). Cytogenetic location: 3p21.31.
Variant type: single nucleotide variant.
Coding change: c.3504C>T on transcript NM_138615.3 (MANE Select); coding-DNA position 3504, C replaced by T.
Protein change: p.His1168=; no amino-acid change (histidine 1168 retained).
Molecular consequence: synonymous variant.
Genome position (GRCh38, 1-based): chr3:47,850,039, C>T. VCF-style: chr3-47850039-C-T. GRCh37 (hg19) VCF-style: chr3-47891529-C-T.
Other names: c.3420C>T, p.His1140= (NM_001330990.2); c.3387C>T, p.His1129= (NM_014966.4).
Identifiers: ClinVar variation 5039017 (VCV005039017.1).
Genomic context (GRCh38, chr3:47,850,039, plus strand): 5'-GGTGGAGCGGAGCCTGCGCAGCGAGCTGGCTGCACTTCCCCCCAGCGTACAGGAGGAGCA[C>T]GGGCAGCTGCTTGCGCTACTGGCAGAGCTGCTGCGAGGACCCTGTGGCAGCTTTGATGTG-3'
Protein context (NP_619520.1, residues 1158-1178): AALPPSVQEE[His1168=]GQLLALLAEL